The following is an entry in ClinVar:

NM_177438.3(DICER1):c.384A>T (p.Glu128Asp)

Gene: DICER1 (dicer 1, ribonuclease III; minus strand). Cytogenetic location: 14q32.13.
Variant type: single nucleotide variant.
Coding change: c.384A>T on transcript NM_177438.3 (MANE Select); coding-DNA position 384, A replaced by T.
Protein change: p.Glu128Asp; replaces glutamic acid 128 with aspartic acid.
Molecular consequence: missense variant. On other transcripts: 5 prime UTR variant (2), non-coding transcript variant (5), intron variant (6).
Genome position (GRCh38, 1-based): chr14:95,131,563, T>A on the plus strand (A>T on the coding strand, the complement: DICER1 is on the minus strand). VCF-style: chr14-95131563-T-A. GRCh37 (hg19) VCF-style: chr14-95597900-T-A.
Other names: c.384A>T, p.Glu128Asp (NM_001195573.1, NM_001271282.3, NM_001291628.2 and 14 more transcripts); c.102A>T, p.Glu34Asp (NM_001395686.1); c.-75A>T (NM_001395691.1); c.-1185A>T (NM_001395697.1); c.33+952A>T (NM_001395690.1, NM_001395687.1, NM_001395689.1 and 3 more transcripts); short protein forms E128D, E34D.
Identifiers: ClinVar variation 3840023 (VCV003840023.1).

ClinVar aggregate classification (germline): Uncertain significance (1 of 4 stars; one submission).

Conditions:
Hereditary cancer-predisposing syndrome. Also called: Hereditary neoplastic syndrome; Neoplastic Syndromes, Hereditary; Tumor predisposition; Hereditary Cancer Syndrome. Identifiers: Orphanet 140162, MedGen C0027672, MeSH D009386, MONDO:0015356.

Submission:

Ambry Genetics
Classification: Uncertain significance for Hereditary cancer-predisposing syndrome. Last evaluated: 2025-02-01. Review status: criteria provided, single submitter. Criteria: Ambry Variant Classification Scheme 2023. Collection method: clinical testing. Allele origin: germline.
Comment: The p.E128D variant (also known as c.384A>T), located in coding exon 3 of the DICER1 gene, results from an A to T substitution at nucleotide position 384. The glutamic acid at codon 128 is replaced by aspartic acid, an amino acid with highly similar properties. This amino acid position is conserved. In addition, this alteration is predicted to be tolerated by in silico analysis. Based on the available evidence, the clinical significance of this variant remains unclear.